The following is an entry in ClinVar:

ClinVar aggregate classification (germline): Uncertain significance (1 of 4 stars; one submission).

Conditions:
Autosomal dominant polycystic kidney disease. Identifiers: Orphanet 730, MedGen C0085413, MONDO:0004691.

Allele frequency attached by ClinVar (database versions not stated): gnomAD 0.00002; ESP Exome Variant Server 0.00008.
gnomAD v4.1: 35 of 1,585,266 alleles (0.0022%); highest among the groups gnomAD compares: Admixed American, 0.005%; no homozygotes.

Submission:

Labcorp Genetics (formerly Invitae), Labcorp
Classification: Uncertain significance for Autosomal dominant polycystic kidney disease. Last evaluated: 2025-08-04. Review status: criteria provided, single submitter. Criteria: Invitae Variant Classification Sherloc (09022015). Collection method: clinical testing. Allele origin: germline.
Comment: This sequence change replaces isoleucine, which is neutral and non-polar, with leucine, which is neutral and non-polar, at codon 522 of the PKD2 protein (p.Ile522Leu). This variant is present in population databases (rs374402854, gnomAD 0.006%). This variant has not been reported in the literature in individuals affected with PKD2-related conditions. ClinVar contains an entry for this variant (Variation ID: 2966179). Invitae Evidence Modeling of protein sequence and biophysical properties (such as structural, functional, and spatial information, amino acid conservation, physicochemical variation, residue mobility, and thermodynamic stability) indicates that this missense variant is not expected to disrupt PKD2 protein function with a negative predictive value of 80%. In summary, the available evidence is currently insufficient to determine the role of this variant in disease. Therefore, it has been classified as a Variant of Uncertain Significance.

NM_000297.4(PKD2):c.1564A>C (p.Ile522Leu)

Gene: PKD2 (polycystin 2, transient receptor potential cation channel; plus strand). Cytogenetic location: 4q22.1.
Variant type: single nucleotide variant.
Coding change: c.1564A>C on transcript NM_000297.4 (MANE Select); coding-DNA position 1564, A replaced by C.
Protein change: p.Ile522Leu; replaces isoleucine 522 with leucine.
Molecular consequence: missense variant. On other transcripts: non-coding transcript variant (1).
Genome position (GRCh38, 1-based): chr4:88,052,006, A>C. VCF-style: chr4-88052006-A-C. GRCh37 (hg19) VCF-style: chr4-88973158-A-C.
Other names: short protein forms I522L.
Identifiers: ClinVar variation 2966179 (VCV002966179.3), dbSNP rs374402854, ClinGen allele CA3003993.
Genomic context (GRCh38, chr4:88,052,006, plus strand): 5'-TATTTCTAAAACACTGTAATAAAATATAAATATTTTGCTTTTCAGCTGTCAGTGGTAGCT[A>C]TAGGAATTAACATATACAGAACATCAAATGTGGAGGTGCTACTACAGTTTCTGGAAGATC-3'
Protein context (NP_000288.1, residues 512-532): VVIVVLSVVA[Ile522Leu]GINIYRTSNV